The following is an entry in ClinVar:

NM_001394062.1(MACF1):c.1639C>T (p.Pro547Ser)

Gene: MACF1 (microtubule actin crosslinking factor 1; plus strand). Cytogenetic location: 1p34.3.
Variant type: single nucleotide variant.
Coding change: c.1639C>T on transcript NM_001394062.1 (MANE Select); coding-DNA position 1639, C replaced by T.
Protein change: p.Pro547Ser; replaces proline 547 with serine.
Molecular consequence: missense variant.
Genome position (GRCh38, 1-based): chr1:39,287,416, C>T. VCF-style: chr1-39287416-C-T. GRCh37 (hg19) VCF-style: chr1-39753088-C-T.
Other names: c.1654C>T, p.Pro552Ser (NM_012090.5); short protein forms P547S, P552S.
Identifiers: ClinVar variation 4779884 (VCV004779884.1).

ClinVar aggregate classification (germline): Uncertain significance (1 of 4 stars; one submission).

gnomAD v4.1: 6 of 1,614,026 alleles (0.00037%); highest among the groups gnomAD compares: Admixed American, 0.005%; no homozygotes.

Submission:

Labcorp Genetics (formerly Invitae), Labcorp
Classification: Uncertain significance. Last evaluated: 2025-04-23. Review status: criteria provided, single submitter. Criteria: Invitae Variant Classification Sherloc (09022015). Collection method: clinical testing. Allele origin: germline.
Comment: This sequence change replaces proline, which is neutral and non-polar, with serine, which is neutral and polar, at codon 552 of the MACF1 protein (p.Pro552Ser). This variant is present in population databases (no rsID available, gnomAD 0.006%). This variant has not been reported in the literature in individuals affected with MACF1-related conditions. An algorithm developed to predict the effect of missense changes on protein structure and function outputs the following: PolyPhen-2: "Benign". The serine amino acid residue is found in multiple mammalian species, which suggests that this missense change does not adversely affect protein function. In summary, the available evidence is currently insufficient to determine the role of this variant in disease. Therefore, it has been classified as a Variant of Uncertain Significance.